The following is an entry in ClinVar:

ClinVar aggregate classification (germline): Pathogenic (1 of 4 stars; one submission).

Conditions:
Thrombocytopenia 1. Also called: THROMBOCYTOPENIA, X-LINKED, 1; X-linked thrombocytopenia with normal platelets; X-Linked Thrombocytopenia (XLT). Identifiers: Orphanet 268322, Orphanet 852, MedGen C1839163, MONDO:0010743, OMIM 313900.
Wiskott-Aldrich syndrome (WAS). Also called: Wiskott-aldrich syndrome, somatic; ALDRICH SYNDROME; IMMUNODEFICIENCY 2; WISKOTT-ALDRICH SYNDROME 1. Identifiers: Orphanet 906, MedGen C0043194, MONDO:0010518, OMIM 301000.
X-linked severe congenital neutropenia (SCNX). Identifiers: Orphanet 86788, MedGen C1845987, MONDO:0010294, OMIM 300299.

Allele frequency attached by ClinVar (database versions not stated): gnomAD exomes below 0.00001.

Submission:

Labcorp Genetics (formerly Invitae), Labcorp
Classification: Pathogenic for Wiskott-Aldrich syndrome; X-linked severe congenital neutropenia; Thrombocytopenia 1. Last evaluated: 2023-12-18. Review status: criteria provided, single submitter. Criteria: Invitae Variant Classification Sherloc (09022015). Collection method: clinical testing. Allele origin: germline.
Comment: This sequence change replaces alanine, which is neutral and non-polar, with valine, which is neutral and non-polar, at codon 134 of the WAS protein (p.Ala134Val). This variant is not present in population databases (gnomAD no frequency). This missense change has been observed in individual(s) with Wiskott-Aldrich syndrome (PMID: 9326235, 15284122; Invitae). ClinVar contains an entry for this variant (Variation ID: 2138570). Advanced modeling of protein sequence and biophysical properties (such as structural, functional, and spatial information, amino acid conservation, physicochemical variation, residue mobility, and thermodynamic stability) performed at Invitae indicates that this missense variant is expected to disrupt WAS protein function with a positive predictive value of 80%. This variant disrupts the p.Ala134 amino acid residue in WAS. Other variant(s) that disrupt this residue have been determined to be pathogenic (PMID: 7753869, 19817875, 21185603, 23160469, 30697212, 32097281). This suggests that this residue is clinically significant, and that variants that disrupt this residue are likely to be disease-causing. For these reasons, this variant has been classified as Pathogenic.

Literature cited by the submitters: PubMed 9326235; PubMed 15284122; PubMed 7753869; PubMed 19817875; PubMed 21185603; PubMed 23160469; PubMed 30697212; PubMed 32097281.

NM_000377.3(WAS):c.401C>T (p.Ala134Val)

Gene: WAS (WASP actin nucleation promoting factor; plus strand). Cytogenetic location: Xp11.23.
Variant type: single nucleotide variant.
Coding change: c.401C>T on transcript NM_000377.3 (MANE Select); coding-DNA position 401, C replaced by T.
Protein change: p.Ala134Val; replaces alanine 134 with valine.
Molecular consequence: missense variant.
Genome position (GRCh38, 1-based): chrX:48,685,774, C>T. VCF-style: chrX-48685774-C-T. GRCh37 (hg19) VCF-style: chrX-48544163-C-T.
Other names: short protein forms A134V.
Identifiers: ClinVar variation 2138570 (VCV002138570.4), dbSNP rs2519280832, ClinGen allele CA412867707.